The following is an entry in ClinVar:

NM_000548.5(TSC2):c.4149C>A (p.Ser1383Arg)

Gene: TSC2 (TSC complex subunit 2; plus strand). Cytogenetic location: 16p13.3.
Variant type: single nucleotide variant.
Coding change: c.4149C>A on transcript NM_000548.5 (MANE Select); coding-DNA position 4149, C replaced by A.
Protein change: p.Ser1383Arg; replaces serine 1383 with arginine.
Molecular consequence: missense variant. On other transcripts: non-coding transcript variant (5).
Genome position (GRCh38, 1-based): chr16:2,084,371, C>A. VCF-style: chr16-2084371-C-A. GRCh37 (hg19) VCF-style: chr16-2134372-C-A.
Other names: c.3948C>A, p.Ser1316Arg (NM_001077183.3); c.4080C>A, p.Ser1360Arg (NM_001114382.3); c.3840C>A, p.Ser1280Arg (NM_001318827.2); c.3804C>A, p.Ser1268Arg (NM_001318829.2); c.3417C>A, p.Ser1139Arg (NM_001318831.2); c.3981C>A, p.Ser1327Arg (NM_001318832.2); c.3951C>A, p.Ser1317Arg (NM_001363528.2); c.4017C>A, p.Ser1339Arg (NM_001370404.1); and 26 more; short protein forms S1116R, S1117R, S1139R, S1159R, S1160R, S1163R, S1183R, S1267R.
Identifiers: ClinVar variation 3232162 (VCV003232162.1), dbSNP rs2151524944, ClinGen allele CA394299665.
Genomic context (GRCh38, chr16:2,084,371, plus strand): 5'-CTCCTCGGAGGGTGGCCGGCCCTCTGTGGACCTCTCCTTCCAGCCCTCGCAGCCCCTGAG[C>A]AAGTCCAGCTCCTCTCCCGAGCTGCAGACTCTGCAGGACATCCTCGGGGACCCTGGGGAC-3'
Protein context (NP_000539.2, residues 1373-1393): DLSFQPSQPL[Ser1383Arg]KSSSSPELQT

ClinVar aggregate classification (germline): Uncertain significance (1 of 4 stars; one submission).

Conditions:
Hereditary cancer-predisposing syndrome. Also called: Neoplastic Syndromes, Hereditary; Tumor predisposition; Hereditary neoplastic syndrome; Hereditary Cancer Syndrome. Identifiers: Orphanet 140162, MedGen C0027672, MeSH D009386, MONDO:0015356.

Submission:

Ambry Genetics
Classification: Uncertain significance for Hereditary cancer-predisposing syndrome. Last evaluated: 2023-12-07. Review status: criteria provided, single submitter. Criteria: Ambry Variant Classification Scheme 2023. Collection method: clinical testing. Allele origin: germline.
Comment: The p.S1383R variant (also known as c.4149C>A), located in coding exon 33 of the TSC2 gene, results from a C to A substitution at nucleotide position 4149. The serine at codon 1383 is replaced by arginine, an amino acid with dissimilar properties. This amino acid position is conserved. In addition, the in silico prediction for this alteration is inconclusive. Since supporting evidence is limited at this time, the clinical significance of this alteration remains unclear.